The following is an entry in ClinVar:

ClinVar aggregate classification (germline): Uncertain significance (1 of 4 stars; one submission).

Conditions:
MELAS syndrome (MELAS). Also called: Juvenile myopathy, encephalopathy, lactic acidosis, stroke. Identifiers: Orphanet 550, MedGen C0162671, MONDO:0010789, OMIM 540000.

Submission:

Wong Mito Lab, Molecular and Human Genetics, Baylor College of Medicine
Classification: Uncertain significance for MELAS syndrome. Last evaluated: 2019-07-12. Review status: criteria provided, single submitter. Criteria: Modified ACMG Guidelines (Unpublished). Collection method: clinical testing. Allele origin: germline.
Comment: The NC_012920.1:m.15984T>C variant in MT-TP gene is interpreted to be a Unknown Significance variant based on the modified ACMG guidelines (unpublished). This variant meets the following evidence codes reported in the guidelines: BP4, PP6

Literature cited by the submitters: PubMed 31965079.

NC_012920.1(MT-TP):m.15984T>C

Gene: MT-TP (mitochondrially encoded tRNA proline; minus strand).
Variant type: single nucleotide variant.
Genome position: chrM-15984-T-C.
Identifiers: ClinVar variation 690267 (VCV000690267.1), dbSNP rs1603225624, ClinGen allele CA913175368.